The following is an entry in ClinVar:

ClinVar aggregate classification (germline): Uncertain significance (1 of 4 stars; one submission).

Conditions:
Cardiovascular phenotype. Identifiers: MedGen CN230736.

Submission:

Ambry Genetics
Classification: Uncertain significance for Cardiovascular phenotype. Last evaluated: 2024-08-12. Review status: criteria provided, single submitter. Criteria: Ambry Variant Classification Scheme 2023. Collection method: clinical testing. Allele origin: germline.
Comment: The p.Q380K variant (also known as c.1138C>A), located in coding exon 13 of the TXNRD2 gene, results from a C to A substitution at nucleotide position 1138. The glutamine at codon 380 is replaced by lysine, an amino acid with similar properties. This amino acid position is conserved. In addition, this alteration is predicted to be tolerated by in silico analysis. Based on the available evidence, the clinical significance of this variant remains unclear.

NM_006440.5(TXNRD2):c.1138C>A (p.Gln380Lys)

Gene: TXNRD2 (thioredoxin reductase 2; minus strand). Cytogenetic location: 22q11.21.
Variant type: single nucleotide variant.
Coding change: c.1138C>A on transcript NM_006440.5 (MANE Select); coding-DNA position 1138, C replaced by A.
Protein change: p.Gln380Lys; replaces glutamine 380 with lysine.
Molecular consequence: missense variant. On other transcripts: non-coding transcript variant (1).
Genome position (GRCh38, 1-based): chr22:19,880,666, G>T on the plus strand (C>A on the coding strand, the complement: TXNRD2 is on the minus strand). VCF-style: chr22-19880666-G-T. GRCh37 (hg19) VCF-style: chr22-19868189-G-T.
Other names: c.1135C>A, p.Gln379Lys (NM_001352300.2); c.1048C>A, p.Gln350Lys (NM_001352301.2); c.850C>A, p.Gln284Lys (NM_001352302.2); short protein forms Q350K, Q379K, Q380K, Q284K.
Identifiers: ClinVar variation 3464750 (VCV003464750.1).